The following is an entry in ClinVar:

NM_198994.3(TGM6):c.701T>C (p.Val234Ala)

Gene: TGM6 (transglutaminase 6; plus strand). Cytogenetic location: 20p13.
Variant type: single nucleotide variant.
Coding change: c.701T>C on transcript NM_198994.3 (MANE Select); coding-DNA position 701, T replaced by C.
Protein change: p.Val234Ala; replaces valine 234 with alanine.
Molecular consequence: missense variant.
Genome position (GRCh38, 1-based): chr20:2,399,589, T>C. VCF-style: chr20-2399589-T-C. GRCh37 (hg19) VCF-style: chr20-2380235-T-C.
Other names: c.701T>C, p.Val234Ala (NM_001254734.2); short protein forms V234A.
Identifiers: ClinVar variation 3680505 (VCV003680505.2).

ClinVar aggregate classification (germline): Uncertain significance (1 of 4 stars; one submission).

Submission:

Labcorp Genetics (formerly Invitae), Labcorp
Classification: Uncertain significance. Last evaluated: 2024-10-13. Review status: criteria provided, single submitter. Criteria: Invitae Variant Classification Sherloc (09022015). Collection method: clinical testing. Allele origin: germline.
Comment: This sequence change replaces valine, which is neutral and non-polar, with alanine, which is neutral and non-polar, at codon 234 of the TGM6 protein (p.Val234Ala). This variant is not present in population databases (gnomAD no frequency). This variant has not been reported in the literature in individuals affected with TGM6-related conditions. Invitae Evidence Modeling of protein sequence and biophysical properties (such as structural, functional, and spatial information, amino acid conservation, physicochemical variation, residue mobility, and thermodynamic stability) indicates that this missense variant is expected to disrupt TGM6 protein function with a positive predictive value of 80%. In summary, the available evidence is currently insufficient to determine the role of this variant in disease. Therefore, it has been classified as a Variant of Uncertain Significance.